The following is an entry in ClinVar:

ClinVar aggregate classification (germline): Uncertain significance (1 of 4 stars; one submission).

Submission:

Labcorp Genetics (formerly Invitae), Labcorp
Classification: Uncertain significance. Last evaluated: 2025-10-01. Review status: criteria provided, single submitter. Criteria: Invitae Variant Classification Sherloc (09022015). Collection method: clinical testing. Allele origin: germline.
Comment: This sequence change falls in intron 12 of the ASNS gene. It does not directly change the encoded amino acid sequence of the ASNS protein. It affects a nucleotide within the consensus splice site. This variant is present in population databases (no rsID available, gnomAD 0.006%). This variant has not been reported in the literature in individuals affected with ASNS-related conditions. ClinVar contains an entry for this variant (Variation ID: 1964809). Variants that disrupt the consensus splice site are a relatively common cause of aberrant splicing (PMID: 17576681, 9536098). Algorithms developed to predict the effect of sequence changes on RNA splicing suggest that this variant is not likely to affect RNA splicing. In summary, the available evidence is currently insufficient to determine the role of this variant in disease. Therefore, it has been classified as a Variant of Uncertain Significance.

Literature cited by the submitters: PubMed 17576681; PubMed 9536098.

NM_001673.5(ASNS):c.1476+4T>A

Genes: ASNS (asparagine synthetase (glutamine-hydrolyzing); minus strand), CZ1P-ASNS (CZ1P-ASNS readthrough; minus strand). Cytogenetic location: 7q21.3.
Variant type: single nucleotide variant.
Coding change: c.1476+4T>A on transcript NM_001673.5 (MANE Select); 4 bases into the intron after coding-DNA position 1476, T replaced by A.
Molecular consequence: intron variant.
Genome position (GRCh38, 1-based): chr7:97,853,056, A>T on the plus strand (T>A on the coding strand, the complement: ASNS is on the minus strand). VCF-style: chr7-97853056-A-T. GRCh37 (hg19) VCF-style: chr7-97482368-A-T.
Other names: c.1476+4T>A (NM_001352496.2, NM_183356.4, NM_133436.3); c.1227+4T>A (NM_001178076.2, NM_001178077.1); c.1413+4T>A (NM_001178075.2).
Identifiers: ClinVar variation 1964809 (VCV001964809.4), dbSNP rs1360370266, ClinGen allele CA576362261.
Genomic context (GRCh38, chr7:97,853,056, plus strand): 5'-ACAGCAATGACAGCTCTGCATCCAAACTGTCTTATTCCTGAAAATGTTTTTAAAGACATT[A>T]TACCTGATGTTCAACGTATTCCTGTAAAATCTTAAACCAGGAATTCTTAACTGAAGTTAT-3'